The following is an entry in ClinVar:

ClinVar aggregate classification (germline): Pathogenic. Review status: criteria provided, single submitter (1 of 4 stars). 2 submissions from 2 submitters: Pathogenic (1). 1 of the submissions does not count toward it. Last evaluated 2024-11-22.

Conditions:
MSH3-related disorder. Also called: MSH3-related condition.

Submissions (2):

Labcorp Genetics (formerly Invitae), Labcorp
Classification: Pathogenic. Last evaluated: 2024-11-22. Review status: criteria provided, single submitter. Criteria: Invitae Variant Classification Sherloc (09022015). Collection method: clinical testing. Allele origin: germline.
Comment: This sequence change creates a premature translational stop signal (p.Asn690Lysfs*23) in the MSH3 gene. It is expected to result in an absent or disrupted protein product. Loss-of-function variants in MSH3 are known to be pathogenic (PMID: 27476653, 37402566). This variant is not present in population databases (gnomAD no frequency). This variant has not been reported in the literature in individuals affected with MSH3-related conditions. ClinVar contains an entry for this variant (Variation ID: 3054098). For these reasons, this variant has been classified as Pathogenic.

PreventionGenetics, part of Exact Sciences
Classification: Likely pathogenic for MSH3-related condition. Last evaluated: 2024-01-05. Review status: no assertion criteria provided. Collection method: clinical testing. Allele origin: germline. Not counted in ClinVar's aggregate classification.
Comment: The MSH3 c.2068_2069dupAA variant is predicted to result in a frameshift and premature protein termination (p.Asn690Lysfs*23). To our knowledge, this variant has not been reported in the literature or in a large population database, indicating this variant is rare. Frameshift variants in MSH3 are expected to be pathogenic. This variant is interpreted as likely pathogenic.

Literature cited by the submitters: PubMed 27476653 (cited by Labcorp Genetics (formerly Invitae), Labcorp); PubMed 37402566 (cited by Labcorp Genetics (formerly Invitae), Labcorp).

NM_002439.5(MSH3):c.2068_2069dup (p.Asn690fs)

Gene: MSH3 (mutS homolog 3; plus strand). Cytogenetic location: 5q14.1.
Variant type: Duplication.
Coding change: c.2068_2069dup on transcript NM_002439.5 (MANE Select); coding-DNA positions 2068 to 2069, 2 bases duplicated (AA; older notation c.2068_2069dupAA).
Protein change: p.Asn690fs; shifts the reading frame from asparagine 690.
Molecular consequence: frameshift variant.
Genome position (GRCh38, 1-based): chr5:80,768,104-80,768,105, AA duplicated. VCF-style (leftmost placement, unchanged base first): chr5-80768103-C-CAA. GRCh37 (hg19) VCF-style: chr5-80063922-C-CAA.
Other names: short protein forms N690fs.
Identifiers: ClinVar variation 3054098 (VCV003054098.4), dbSNP rs2546773743, ClinGen allele CA2740091767.
Genomic context (GRCh38, chr5:80,768,103, plus strand): 5'-GACCGTTATTTTAGAAATTCCTGAACTCCTCAGTCCAGTGGAGCATTACTTAAAGATACT[C>CAA]AATGAACAAGCTGCCAAGTAAGTACCAGACCCTGAATTCTTCCTTTTCACCAGTCAGTAT-3'